The following is an entry in ClinVar:

NM_000548.5(TSC2):c.5352C>T (p.Pro1784=)

Gene: TSC2 (TSC complex subunit 2; plus strand). Cytogenetic location: 16p13.3.
Variant type: single nucleotide variant.
Coding change: c.5352C>T on transcript NM_000548.5 (MANE Select); coding-DNA position 5352, C replaced by T.
Protein change: p.Pro1784=; no amino-acid change (proline 1784 retained).
Molecular consequence: synonymous variant.
Genome position (GRCh38, 1-based): chr16:2,088,538, C>T. VCF-style: chr16-2088538-C-T. GRCh37 (hg19) VCF-style: chr16-2138539-C-T.
Other names: c.5154C>T, p.Pro1718= (NM_001363528.2); c.5220C>T, p.Pro1740= (NM_001370404.1); c.5211C>T, p.Pro1737= (NM_001370405.1); c.5223C>T, p.Pro1741= (NM_021055.3); c.5151C>T, p.Pro1717= (NM_001077183.3); c.5283C>T, p.Pro1761= (NM_001114382.3); c.5043C>T, p.Pro1681= (NM_001318827.2); c.5007C>T, p.Pro1669= (NM_001318829.2); and 2 more.
Identifiers: ClinVar variation 825675 (VCV000825675.13), dbSNP rs1367848310, ClinGen allele CA493043725.

ClinVar aggregate classification (germline): Benign/Likely benign. Review status: criteria provided, multiple submitters, no conflicts (2 of 4 stars). 3 submissions from 3 submitters: Benign (1); Likely benign (2). Last evaluated 2025-06-09.

Conditions:
Hereditary cancer-predisposing syndrome. Also called: Neoplastic Syndromes, Hereditary; Hereditary Cancer Syndrome; Hereditary neoplastic syndrome; Tumor predisposition. Identifiers: Orphanet 140162, MedGen C0027672, MeSH D009386, MONDO:0015356.
Tuberous sclerosis 2 (TSC2). Identifiers: Orphanet 805, MedGen C1860707, MONDO:0013199, OMIM 613254.

Submissions (3):

Myriad Genetics, Inc.
Classification: Benign for Tuberous sclerosis 2. Last evaluated: 2025-06-09. Review status: criteria provided, single submitter. Criteria: Myriad Autosomal Dominant, Autosomal Recessive and X-Linked Classification Criteria (2023). Collection method: clinical testing. Allele origin: unknown.
Comment: This variant is considered benign. This variant is a silent/synonymous amino acid change and it is not expected to impact splicing.

Labcorp Genetics (formerly Invitae), Labcorp
Classification: Likely benign for Tuberous sclerosis 2. Last evaluated: 2021-11-29. Review status: criteria provided, single submitter. Criteria: Invitae Variant Classification Sherloc (09022015). Collection method: clinical testing. Allele origin: germline.

Ambry Genetics
Classification: Likely benign for Hereditary cancer-predisposing syndrome. Last evaluated: 2019-06-04. Review status: criteria provided, single submitter. Criteria: Ambry Variant Classification Scheme 2023. Collection method: clinical testing. Allele origin: germline.